The following is an entry in ClinVar:

NM_005546.4(ITK):c.741C>A (p.Asp247Glu)

Gene: ITK (IL2 inducible T cell kinase; plus strand). Cytogenetic location: 5q33.3.
Variant type: single nucleotide variant.
Coding change: c.741C>A on transcript NM_005546.4 (MANE Select); coding-DNA position 741, C replaced by A.
Protein change: p.Asp247Glu; replaces aspartic acid 247 with glutamic acid.
Molecular consequence: missense variant.
Genome position (GRCh38, 1-based): chr5:157,232,367, C>A. VCF-style: chr5-157232367-C-A. GRCh37 (hg19) VCF-style: chr5-156659377-C-A.
Other names: short protein forms D247E.
Identifiers: ClinVar variation 947235 (VCV000947235.7), dbSNP rs1294640313, ClinGen allele CA361956251.
Genomic context (GRCh38, chr5:157,232,367, plus strand): 5'-TGTCATTGACATATGACTTTTCCTTGCTTTCAGGTGGTACAATAAGAGTATCAGCCGAGA[C>A]AAAGCTGAAAAACTTCTTTTGGACACAGTAAGTCTCCTTAACCTGTCTTTTGACATAAAA-3'
Protein context (NP_005537.3, residues 237-257): YEWYNKSISR[Asp247Glu]KAEKLLLDTG

ClinVar aggregate classification (germline): Uncertain significance (1 of 4 stars; one submission).

Conditions:
Lymphoproliferative syndrome 1 (LPFS1). Identifiers: Orphanet 238505, Orphanet 538963, MedGen C3552634, MONDO:0013081, OMIM 613011.

Allele frequency attached by ClinVar (database versions not stated): gnomAD exomes below 0.00001; TOPMed below 0.00001.
gnomAD v4.1: 5 of 1,611,764 alleles (0.00031%); highest among the groups gnomAD compares: Non-Finnish European, 0.00034%; no homozygotes.

Submission:

Labcorp Genetics (formerly Invitae), Labcorp
Classification: Uncertain significance for Lymphoproliferative syndrome 1. Last evaluated: 2022-04-19. Review status: criteria provided, single submitter. Criteria: Invitae Variant Classification Sherloc (09022015). Collection method: clinical testing. Allele origin: germline.
Comment: This sequence change replaces aspartic acid, which is acidic and polar, with glutamic acid, which is acidic and polar, at codon 247 of the ITK protein (p.Asp247Glu). This variant is present in population databases (no rsID available, gnomAD 0.007%). This variant has not been reported in the literature in individuals affected with ITK-related conditions. ClinVar contains an entry for this variant (Variation ID: 947235). Advanced modeling of protein sequence and biophysical properties (such as structural, functional, and spatial information, amino acid conservation, physicochemical variation, residue mobility, and thermodynamic stability) performed at Invitae indicates that this missense variant is not expected to disrupt ITK protein function. In summary, the available evidence is currently insufficient to determine the role of this variant in disease. Therefore, it has been classified as a Variant of Uncertain Significance.